The following is an entry in ClinVar:

NM_002958.4(RYK):c.575A>G (p.Lys192Arg)

Gene: RYK (receptor like tyrosine kinase; minus strand). Cytogenetic location: 3q22.2.
Variant type: single nucleotide variant.
Coding change: c.575A>G on transcript NM_002958.4 (MANE Select); coding-DNA position 575, A replaced by G.
Protein change: p.Lys192Arg; replaces lysine 192 with arginine.
Molecular consequence: missense variant.
Genome position (GRCh38, 1-based): chr3:134,209,709, T>C on the plus strand (A>G on the coding strand, the complement: RYK is on the minus strand). VCF-style: chr3-134209709-T-C. GRCh37 (hg19) VCF-style: chr3-133928553-T-C.
Other names: c.575A>G, p.Lys192Arg (NM_001005861.3); short protein forms K192R.
Identifiers: ClinVar variation 3048026 (VCV003048026.1), dbSNP rs2472769572, ClinGen allele CA354730444.
Genomic context (GRCh38, chr3:134,209,709, plus strand): 5'-CTTCTCACATACATGTAAAACATATTTTGGTAAATAAATTCCTTACTTTTGTAGCACATT[T>C]TCCTTCGTTTAAAATTTAAGACGGTAAAATTTTTTGAAGAATTTACTGTCAAGTTGAGCT-3'
Protein context (NP_002949.2, residues 182-202): NFTVLNFKRR[Lys192Arg]MCYKKLEEVK

ClinVar aggregate classification (germline): Likely benign (1 of 4 stars; one submission).

Conditions:
RYK-related disorder. Also called: RYK-related condition.

Submission:

PreventionGenetics, part of Exact Sciences
Classification: Likely benign for RYK-related condition. Last evaluated: 2023-10-29. Review status: criteria provided, single submitter. Criteria: ACMG Guidelines, 2015. Collection method: clinical testing. Allele origin: germline.
Comment: This variant is classified as likely benign based on ACMG/AMP sequence variant interpretation guidelines (Richards et al. 2015 PMID: 25741868, with internal and published modifications).